The following is an entry in ClinVar:

NM_025243.4(SLC19A3):c.141C>T (p.Thr47=)

Gene: SLC19A3 (solute carrier family 19 member 3; minus strand). Cytogenetic location: 2q36.3.
Variant type: single nucleotide variant.
Coding change: c.141C>T on transcript NM_025243.4 (MANE Select); coding-DNA position 141, C replaced by T.
Protein change: p.Thr47=; no amino-acid change (threonine 47 retained).
Molecular consequence: synonymous variant. On other transcripts: 5 prime UTR variant (2).
Genome position (GRCh38, 1-based): chr2:227,702,178, G>A on the plus strand (C>T on the coding strand, the complement: SLC19A3 is on the minus strand). VCF-style: chr2-227702178-G-A. GRCh37 (hg19) VCF-style: chr2-228566894-G-A.
Other names: c.141C>T, p.Thr47= (NM_001371411.1, NM_001371412.1); c.-68C>T (NM_001371413.1, NM_001371414.1).
Identifiers: ClinVar variation 1111195 (VCV001111195.18), dbSNP rs145710386, ClinGen allele CA2149400.

ClinVar aggregate classification (germline): Likely benign. Review status: criteria provided, multiple submitters, no conflicts (2 of 4 stars). 4 submissions from 4 submitters: Likely benign (4). Last evaluated 2025-11-05.

Conditions:
Biotin-responsive basal ganglia disease (BTBGD). Also called: Thiamine metabolism dysfunction syndrome 2 (biotin- or thiamine-responsive encephalopathy type 2); Thiamine Transporter-2 Deficiency; thiamine-responsive encephalopathy; THIAMINE METABOLISM DYSFUNCTION SYNDROME 2 (BIOTIN- AND THIAMINE-RESPONSIVE TYPE); Thiamine metabolism dysfunction syndrome type 2. Identifiers: Orphanet 199348, Orphanet 65284, MedGen C1843807, MONDO:0011841, OMIM 607483.

gnomAD v4.1: 49 of 1,613,226 alleles (0.003%); highest among the groups gnomAD compares: Middle Eastern, 0.36%; 1 homozygote.

Submissions (4):

Labcorp Genetics (formerly Invitae), Labcorp
Classification: Likely benign for Biotin-responsive basal ganglia disease. Last evaluated: 2025-11-05. Review status: criteria provided, single submitter. Criteria: Invitae Variant Classification Sherloc (09022015). Collection method: clinical testing. Allele origin: germline.

CeGaT Center for Human Genetics Tuebingen
Classification: Likely benign. Last evaluated: 2025-11-01. Review status: criteria provided, single submitter. Criteria: CeGaT Center For Human Genetics Tuebingen Variant Classification Criteria Version 2. Collection method: clinical testing. Allele origin: germline. Affected: yes. Observed: 1 variant allele.
Comment: SLC19A3: BP4, BP7

Blueprint Genetics
Classification: Likely benign. Last evaluated: 2024-07-08. Review status: criteria provided, single submitter. Criteria: ACMG Guidelines, 2015. Collection method: clinical testing. Allele origin: germline.

GeneDx
Classification: Likely benign. Last evaluated: 2019-07-26. Review status: criteria provided, single submitter. Criteria: GeneDx Variant Classification Process June 2021. Collection method: clinical testing. Allele origin: germline. Affected: yes.